The following is an entry in ClinVar:

ClinVar aggregate classification (germline): Uncertain significance (1 of 4 stars; one submission).

Conditions:
DICER1-related tumor predisposition. Also called: DICER1 syndrome; DICER1-related pleuropulmonary blastoma cancer predisposition syndrome. Identifiers: Orphanet 284343, MedGen C3839822, MONDO:0100216.

Submission:

Labcorp Genetics (formerly Invitae), Labcorp
Classification: Uncertain significance for DICER1-related tumor predisposition. Last evaluated: 2019-08-29. Review status: criteria provided, single submitter. Criteria: Invitae Variant Classification Sherloc (09022015). Collection method: clinical testing. Allele origin: germline.
Comment: In summary, the available evidence is currently insufficient to determine the role of this variant in disease. Therefore, it has been classified as a Variant of Uncertain Significance. Experimental studies and prediction algorithms are not available or were not evaluated for this variant, and the functional significance of this variant is currently unknown. This variant has not been reported in the literature in individuals with DICER1-related conditions. This variant is not present in population databases (ExAC no frequency). This variant, c.4263_4268del, results in the deletion of 2 amino acid(s) of the DICER1 protein (p.Asp1421_Glu1422del), but otherwise preserves the integrity of the reading frame.

NM_177438.3(DICER1):c.4263_4268del (p.Asp1421_Glu1422del)

Gene: DICER1 (dicer 1, ribonuclease III; minus strand). Cytogenetic location: 14q32.13.
Variant type: Deletion.
Coding change: c.4263_4268del on transcript NM_177438.3 (MANE Select); coding-DNA positions 4263 to 4268, 6 bases deleted (TGAGGA; older notation c.4263_4268delTGAGGA).
Protein change: p.Asp1421_Glu1422del.
Molecular consequence: inframe deletion.
Genome position (GRCh38, 1-based): chr14:95,096,652-95,096,657, TCCTCA deleted on the plus strand (TGAGGA on the coding strand, the reverse complement: DICER1 is on the minus strand); deleting any 6 consecutive bases within chr14:95,096,652-95,096,662 gives the same sequence; the c. name uses the placement nearest the transcript's 3' end. VCF-style (leftmost placement, unchanged base first): chr14-95096651-CTCCTCA-C. GRCh37 (hg19) VCF-style: chr14-95562988-CTCCTCA-C.
Other names: c.4263_4268del, p.Asp1421_Glu1422del (NM_001195573.1, NM_001271282.3, NM_001291628.2 and 1 more transcripts).
Identifiers: ClinVar variation 957923 (VCV000957923.11), dbSNP rs1890376008, ClinGen allele CA1139663702.